The following is an entry in ClinVar:

ClinVar aggregate classification (germline): Uncertain significance (1 of 4 stars; one submission).

Conditions:
Familial adenomatous polyposis 1 (FAP1). Also called: FAMILIAL ADENOMATOUS POLYPOSIS 1, ATTENUATED; POLYPOSIS, ADENOMATOUS INTESTINAL. Identifiers: MedGen C2713442, MONDO:0021056, OMIM 175100. Disease mechanism: loss of function.

Submission:

Labcorp Genetics (formerly Invitae), Labcorp
Classification: Uncertain significance for Familial adenomatous polyposis 1. Last evaluated: 2021-04-21. Review status: criteria provided, single submitter. Criteria: Invitae Variant Classification Sherloc (09022015). Collection method: clinical testing. Allele origin: germline.
Comment: In summary, the available evidence is currently insufficient to determine the role of this variant in disease. Therefore, it has been classified as a Variant of Uncertain Significance. Algorithms developed to predict the effect of missense changes on protein structure and function are either unavailable or do not agree on the potential impact of this missense change (SIFT: "Tolerated"; PolyPhen-2: "Probably Damaging"; Align-GVGD: "Class C0"). This variant has not been reported in the literature in individuals with APC-related conditions. This variant is not present in population databases (ExAC no frequency). This sequence change replaces alanine with threonine at codon 1366 of the APC protein (p.Ala1366Thr). The alanine residue is highly conserved and there is a small physicochemical difference between alanine and threonine.

NM_000038.6(APC):c.4096G>A (p.Ala1366Thr)

Gene: APC (APC regulator of Wnt signaling pathway; plus strand). Cytogenetic location: 5q22.2.
Variant type: single nucleotide variant.
Coding change: c.4096G>A on transcript NM_000038.6 (MANE Select); coding-DNA position 4096, G replaced by A.
Protein change: p.Ala1366Thr; replaces alanine 1366 with threonine.
Molecular consequence: missense variant.
Genome position (GRCh38, 1-based): chr5:112,839,690, G>A. VCF-style: chr5-112839690-G-A. GRCh37 (hg19) VCF-style: chr5-112175387-G-A.
Other names: c.4096G>A, p.Ala1366Thr (NM_001127510.3, NM_001354895.2); c.4042G>A, p.Ala1348Thr (NM_001127511.3); c.4150G>A, p.Ala1384Thr (NM_001354896.2); c.4126G>A, p.Ala1376Thr (NM_001354897.2); c.4021G>A, p.Ala1341Thr (NM_001354898.2); c.4012G>A, p.Ala1338Thr (NM_001354899.2); c.3973G>A, p.Ala1325Thr (NM_001354900.2); c.3919G>A, p.Ala1307Thr (NM_001354901.2); and 5 more; short protein forms A1341T, A1348T, A1206T, A1240T, A1265T, A1338T, A1384T, A1083T.
Identifiers: ClinVar variation 1347282 (VCV001347282.8), dbSNP rs1580643969, ClinGen allele CA16030301.